The following is an entry in ClinVar:

NM_005271.5(GLUD1):c.667G>A (p.Ala223Thr)

Gene: GLUD1 (glutamate dehydrogenase 1; minus strand). Cytogenetic location: 10q23.2.
Variant type: single nucleotide variant.
Coding change: c.667G>A on transcript NM_005271.5 (MANE Select); coding-DNA position 667, G replaced by A.
Protein change: p.Ala223Thr; replaces alanine 223 with threonine.
Molecular consequence: missense variant.
Genome position (GRCh38, 1-based): chr10:87,068,137, C>T on the plus strand (G>A on the coding strand, the complement: GLUD1 is on the minus strand). VCF-style: chr10-87068137-C-T. GRCh37 (hg19) VCF-style: chr10-88827894-C-T.
Other names: c.268G>A, p.Ala90Thr (NM_001318900.1); c.166G>A, p.Ala56Thr (NM_001318901.1, NM_001318902.1, NM_001318904.2 and 2 more transcripts); short protein forms A56T, A90T, A223T.
Identifiers: ClinVar variation 3520736 (VCV003520736.1).

ClinVar aggregate classification (germline): Uncertain significance (1 of 4 stars; one submission).

Conditions:
Inborn genetic diseases. Identifiers: MedGen C0950123, MeSH D030342.

gnomAD v4.1: 87 of 1,612,330 alleles (0.0054%); highest among the groups gnomAD compares: Non-Finnish European, 0.0063%; no homozygotes.

Submission:

Ambry Genetics
Classification: Uncertain significance for Inborn genetic diseases. Last evaluated: 2024-12-07. Review status: criteria provided, single submitter. Criteria: Ambry Variant Classification Scheme 2023. Collection method: clinical testing. Allele origin: germline.
Comment: The p.A223T variant (also known as c.667G>A), located in coding exon 5 of the GLUD1 gene, results from a G to A substitution at nucleotide position 667. The alanine at codon 223 is replaced by threonine, an amino acid with similar properties. This amino acid position is conserved. In addition, this alteration is predicted to be deleterious by in silico analysis. Based on the available evidence, the clinical significance of this variant remains unclear.